The following is an entry in ClinVar:

NM_021625.5(TRPV4):c.1529G>A (p.Arg510Gln)

Gene: TRPV4 (transient receptor potential cation channel subfamily V member 4; minus strand). Cytogenetic location: 12q24.11.
Variant type: single nucleotide variant.
Coding change: c.1529G>A on transcript NM_021625.5 (MANE Select); coding-DNA position 1529, G replaced by A.
Protein change: p.Arg510Gln; replaces arginine 510 with glutamine.
Molecular consequence: missense variant.
Genome position (GRCh38, 1-based): chr12:109,793,985, C>T on the plus strand (G>A on the coding strand, the complement: TRPV4 is on the minus strand). VCF-style: chr12-109793985-C-T. GRCh37 (hg19) VCF-style: chr12-110231790-C-T.
Other names: c.1208G>A, p.Arg403Gln (NM_001177433.2); c.1349G>A, p.Arg450Gln (NM_147204.3); c.1388G>A, p.Arg463Gln (NM_001177428.2); c.1427G>A, p.Arg476Gln (NM_001177431.2); short protein forms R450Q, R463Q, R403Q, R476Q, R510Q.
Identifiers: ClinVar variation 694835 (VCV000694835.2), dbSNP rs1191951496, ClinGen allele CA386652176.
Genomic context (GRCh38, chr12:109,793,985, plus strand): 5'-CTTACGTTGGTGAAGAAGAACAGGACCCCAGTGAAGAGCGTAATGACCTCGCCAGCCAGC[C>T]GCAGGTAGTCCACCGTGGTGCGGTAAGGGTACGGCGGCTGGGGAGCAGCAAGGGCACACA-3'
Protein context (NP_067638.3, residues 500-520): YPYRTTVDYL[Arg510Gln]LAGEVITLFT

ClinVar aggregate classification (germline): Uncertain significance. Review status: criteria provided, single submitter (1 of 4 stars). 2 submissions from 2 submitters: Uncertain significance (1). 1 of the submissions does not count toward it. Last evaluated 2025-09-29.

Conditions:
TRPV4-related disorder. Also called: TRPV4-related disorders; TRPV4-related condition.
Charcot-Marie-Tooth disease type 4. Also called: Charcot-Marie-Tooth disease, type IV; Charcot-Marie-Tooth, Type 4. Identifiers: Orphanet 64749, MedGen C4082197, MONDO:0018995.

Allele frequency attached by ClinVar (database versions not stated): gnomAD exomes below 0.00001; gnomAD 0.00001.
gnomAD v4.1: 4 of 1,610,446 alleles (0.00025%); highest among the groups gnomAD compares: Admixed American, 0.0017%; no homozygotes.

Submissions (2):

PreventionGenetics, part of Exact Sciences
Classification: Uncertain significance for TRPV4-related condition. Last evaluated: 2025-09-29. Review status: criteria provided, single submitter. Criteria: ACMG Guidelines, 2015. Collection method: clinical testing. Allele origin: germline.
Comment: The TRPV4 c.1529G>A variant is predicted to result in the amino acid substitution p.Arg510Gln. This variant has been reported as a variant of uncertain significance in an individual with hearing loss (Table S2, Ma et al. 2023. PubMed ID: 36597107). This variant is reported in 0.0029% of alleles in individuals of Latino descent in gnomAD. At this time, the clinical significance of this variant is uncertain due to the absence of conclusive functional and genetic evidence.

Genesis Genome Database
Classification: Uncertain significance for Charcot-Marie-Tooth disease type 4. Last evaluated: 2019-08-14. Review status: no assertion criteria provided. Collection method: research. Allele origin: germline. Affected: yes. Not counted in ClinVar's aggregate classification.